The following is an entry in ClinVar:

NM_014712.3(SETD1A):c.1369C>G (p.Arg457Gly)

Gene: SETD1A (SET domain containing 1A, histone lysine methyltransferase; plus strand). Cytogenetic location: 16p11.2.
Variant type: single nucleotide variant.
Coding change: c.1369C>G on transcript NM_014712.3 (MANE Select); coding-DNA position 1369, C replaced by G.
Protein change: p.Arg457Gly; replaces arginine 457 with glycine.
Molecular consequence: missense variant.
Genome position (GRCh38, 1-based): chr16:30,965,111, C>G. VCF-style: chr16-30965111-C-G. GRCh37 (hg19) VCF-style: chr16-30976432-C-G.
Other names: short protein forms R457G.
Identifiers: ClinVar variation 3236444 (VCV003236444.2), dbSNP rs747637239, ClinGen allele CA395654364.

ClinVar aggregate classification (germline): Uncertain significance (1 of 4 stars; one submission).

Conditions:
Neurodevelopmental disorder with speech impairment and dysmorphic facies. Identifiers: MedGen C5436699, MONDO:0033630, OMIM 619056.

Submission:

Neuberg Centre For Genomic Medicine, NCGM
Classification: Uncertain significance for Neurodevelopmental disorder with speech impairment and dysmorphic facies. Review status: criteria provided, single submitter. Criteria: ACMG Guidelines, 2015. Collection method: clinical testing. Allele origin: germline. Inheritance: Autosomal dominant inheritance. Affected: yes.
Comment: The missense c.1369C>G p.Arg457Gly variant in SETD1A gene has not been reported previously as a pathogenic variant nor as a benign variant, to our knowledge. The p.Arg457Gly variant is novel not in any individuals in gnomAD Exomes and 1000 Genomes. This variant has not been reported to the ClinVar database. The amino acid change p.Arg457Gly in SETD1A is predicted as conserved by GERP++ and PhyloP across 100 vertebrates. The amino acid Arg at position 457 is changed to a Gly changing protein sequence and it might alter its composition and physico-chemical properties. For these reasons, this variant has been classified as Variant of Uncertain Significance VUS.